The following is an entry in ClinVar:

ClinVar aggregate classification (germline): Uncertain significance. Review status: criteria provided, multiple submitters, no conflicts (2 of 4 stars). 2 submissions from 2 submitters: Uncertain significance (2). Last evaluated 2025-07-16.

Conditions:
Immunodeficiency, common variable, 5. Also called: ANTIBODY DEFICIENCY DUE TO CD20 DEFECT. Identifiers: Orphanet 1572, MedGen C3150740, MONDO:0013285, OMIM 613495.

Allele frequency attached by ClinVar (database versions not stated): ExAC 0.00002; gnomAD 0.00003; ESP Exome Variant Server 0.00008; TOPMed below 0.00001; gnomAD exomes 0.00001.
gnomAD v4.1: 19 of 1,614,000 alleles (0.0012%); highest among the groups gnomAD compares: East Asian, 0.0022%; no homozygotes.

Submissions (2):

ARUP Laboratories, Molecular Genetics and Genomics, ARUP Laboratories
Classification: Uncertain significance for Immunodeficiency, common variable, 5. Last evaluated: 2025-07-16. Review status: criteria provided, single submitter. Criteria: ARUP Molecular Germline Variant Investigation Process 2024. Collection method: clinical testing. Allele origin: germline.
Comment: The MS4A1 c.194C>T; p.Ala65Val variant (rs146626926), to our knowledge, is not reported in the medical literature but is reported in ClinVar (Variation ID: 811262). This variant is found in the non-Finnish European population with an allele frequency of 0.005% (7/129,034 alleles) in the Genome Aggregation Database (v2.1.1). Computational analyses predict that this variant is neutral (REVEL: 0.119). Due to limited information, the clinical significance of this variant is uncertain at this time.

Ambry Genetics
Classification: Uncertain significance. Last evaluated: 2025-05-05. Review status: criteria provided, single submitter. Criteria: Ambry Variant Classification Scheme 2023. Collection method: clinical testing. Allele origin: germline.

NM_152866.3(MS4A1):c.194C>T (p.Ala65Val)

Gene: MS4A1 (membrane spanning 4-domains A1; plus strand). Cytogenetic location: 11q12.2.
Variant type: single nucleotide variant.
Coding change: c.194C>T on transcript NM_152866.3 (MANE Select); coding-DNA position 194, C replaced by T.
Protein change: p.Ala65Val; replaces alanine 65 with valine.
Molecular consequence: missense variant.
Genome position (GRCh38, 1-based): chr11:60,463,036, C>T. VCF-style: chr11-60463036-C-T. GRCh37 (hg19) VCF-style: chr11-60230509-C-T.
Other names: c.194C>T (NM_152866.2); c.194C>T, p.Ala65Val (NM_021950.4, NM_152867.2); short protein forms A65V.
Identifiers: ClinVar variation 811262 (VCV000811262.10), dbSNP rs146626926, ClinGen allele CA6024895.